The following is an entry in ClinVar:

NM_004329.3(BMPR1A):c.531-2A>T

Gene: BMPR1A (bone morphogenetic protein receptor type 1A; plus strand). Cytogenetic location: 10q23.2.
Variant type: single nucleotide variant.
Coding change: c.531-2A>T on transcript NM_004329.3 (MANE Select); the canonical splice acceptor site of the intron before coding-DNA position 531, A replaced by T.
Molecular consequence: splice acceptor variant. On other transcripts: intron variant (1).
Genome position (GRCh38, 1-based): chr10:86,912,238, A>T. VCF-style: chr10-86912238-A-T. GRCh37 (hg19) VCF-style: chr10-88671995-A-T.
Other names: c.531-2A>T (NM_001406562.1, NM_001406568.1, NM_001406567.1 and 20 more transcripts); c.447-2A>T (NM_001406584.1, NM_001406588.1, NM_001406587.1 and 2 more transcripts); c.579-2A>T (NM_001406560.1); c.606-2A>T (NM_001406559.1); c.334-4896A>T (NM_001406589.1).
Identifiers: ClinVar variation 4882954 (VCV004882954.2).

ClinVar aggregate classification (germline): Likely pathogenic (1 of 4 stars; one submission).

Submission:

Dasa
Classification: Likely pathogenic. Last evaluated: 2025-10-29. Review status: criteria provided, single submitter. Criteria: DASA Assertion Criteria. Collection method: clinical testing. Allele origin: germline.
Comment: NM_004329.3(BMPR1A):c.531-2A>T affects a canonical splice site and is predicted to disrupt normal RNA splicing. Loss of function is an established disease mechanism for BMPR1A (PMID: 11381269; PMID: 15235019; PMID: 23399955). Also, this variant is absent from population databases. Based on the currently available evidence, this variant is classified as likely pathogenic.

Literature cited by the submitters: PubMed 11381269; PubMed 15235019; PubMed 23399955.